The following is an entry in ClinVar:

ClinVar aggregate classification (germline): Conflicting classifications of pathogenicity. Review status: criteria provided, conflicting classifications (1 of 4 stars). 2 submissions from 2 submitters: Pathogenic (1); Uncertain significance (1). Last evaluated 2025-12-19.

Conditions:
Bethlem myopathy 1A. Also called: MYOPATHY, BENIGN CONGENITAL, WITH CONTRACTURES; Bethlem Muscular Dystrophy; Bethlem myopathy 1. Identifiers: Orphanet 610, MedGen CN029274, MONDO:0024530, OMIM 158810.

Allele frequency attached by ClinVar (database versions not stated): TOPMed 0.00001; gnomAD exomes 0.00003 and 0.00005; gnomAD 0.00004; ExAC 0.00005; ESP Exome Variant Server 0.00008.
gnomAD v4.1: 26 of 1,614,090 alleles (0.0016%); highest among the groups gnomAD compares: Non-Finnish European, 0.00017%; 1 homozygote.

Submissions (2):

Labcorp Genetics (formerly Invitae), Labcorp
Classification: Pathogenic for Bethlem myopathy 1A. Last evaluated: 2025-12-19. Review status: criteria provided, single submitter. Criteria: Invitae Variant Classification Sherloc (09022015). Collection method: clinical testing. Allele origin: germline.
Comment: This sequence change creates a premature translational stop signal (p.Ser721*) in the COL6A3 gene. It is expected to result in an absent or disrupted protein product. Loss-of-function variants in COL6A3 are known to be pathogenic (PMID: 26004199). This variant is present in population databases (rs377632042, gnomAD 0.04%). This variant has not been reported in the literature in individuals affected with COL6A3-related conditions. ClinVar contains an entry for this variant (Variation ID: 836050). For these reasons, this variant has been classified as Pathogenic.

GeneDx
Classification: Uncertain significance. Last evaluated: 2022-04-19. Review status: criteria provided, single submitter. Criteria: GeneDx Variant Classification Process June 2021. Collection method: clinical testing. Allele origin: germline. Affected: yes.
Comment: Nonsense variant predicted to result in protein truncation or nonsense mediated decay in a gene for which loss-of-function is a known mechanism of disease; Has not been previously published as pathogenic or benign to our knowledge

Literature cited by the submitters: PubMed 26004199 (cited by Labcorp Genetics (formerly Invitae), Labcorp).

NM_004369.4(COL6A3):c.2162C>G (p.Ser721Ter)

Gene: COL6A3 (collagen type VI alpha 3 chain; minus strand). Cytogenetic location: 2q37.3.
Variant type: single nucleotide variant.
Coding change: c.2162C>G on transcript NM_004369.4 (MANE Select); coding-DNA position 2162, C replaced by G.
Protein change: p.Ser721Ter; replaces serine 721 with a stop codon.
Molecular consequence: nonsense. On other transcripts: intron variant (1).
Genome position (GRCh38, 1-based): chr2:237,378,971, G>C on the plus strand (C>G on the coding strand, the complement: COL6A3 is on the minus strand). VCF-style: chr2-237378971-G-C. GRCh37 (hg19) VCF-style: chr2-238287614-G-C.
Other names: c.941C>G, p.Ser314Ter (NM_057164.5); c.1544C>G, p.Ser515Ter (NM_057165.5, NM_057167.4); c.677-1627C>G (NM_057166.5); short protein forms S314*, S515*, S721*.
Identifiers: ClinVar variation 836050 (VCV000836050.13), dbSNP rs377632042, ClinGen allele CA2189465.